The following is an entry in ClinVar:

ClinVar aggregate classification (germline): Conflicting classifications of pathogenicity. Review status: criteria provided, conflicting classifications (1 of 4 stars). 6 submissions from 6 submitters: Uncertain significance (4); Likely benign (2). Last evaluated 2025-12-21.

Conditions:
Inborn genetic diseases. Identifiers: MedGen C0950123, MeSH D030342.
3-methylglutaconic aciduria, type VIIB (MGCA7B). Also called: CLPB Deficiency; 3-methylglutaconic aciduria with cataracts, neurologic involvement and neutropenia; 3-methylglutaconic aciduria, type VII, with cataracts, neurologic involvement and neutropenia. Identifiers: Orphanet 445038, MedGen C5676893, MONDO:0014561, OMIM 616271.

Allele frequency attached by ClinVar (database versions not stated): TOPMed 0.00024; 1000 Genomes Project 30x 0.00016; gnomAD 0.00019 and 0.00020; 1000 Genomes Project 0.00020; ESP Exome Variant Server 0.00031.
gnomAD v4.1: 51 of 1,612,272 alleles (0.0032%); highest among the groups gnomAD compares: African/African-American, 0.048%; no homozygotes.

Submissions (6):

Labcorp Genetics (formerly Invitae), Labcorp
Classification: Likely benign for 3-methylglutaconic aciduria, type VIIB. Last evaluated: 2025-12-21. Review status: criteria provided, single submitter. Criteria: Invitae Variant Classification Sherloc (09022015). Collection method: clinical testing. Allele origin: germline.

Women's Health and Genetics/Laboratory Corporation of America, LabCorp
Classification: Uncertain significance. Last evaluated: 2025-09-03. Review status: criteria provided, single submitter. Criteria: LabCorp Variant Classification Summary - May 2015. Collection method: clinical testing. Allele origin: germline.
Comment: Variant summary: CLPB c.189C>G (p.Phe63Leu) results in a non-conservative amino acid change in the encoded protein sequence. Algorithms developed to predict the effect of missense changes on protein structure and function are either unavailable or do not agree on the potential impact of this missense change. The variant allele was found at a frequency of 7.2e-05 in 248968 control chromosomes, predominantly at a frequency of 0.00076 within the African or African-American subpopulation in the gnomAD database. This frequency is not significantly higher than estimated for disease-causing variants in CLPB, allowing no conclusion about variant significance. However, the occurrence in several carriers suggests that this variant is likely not associated with a high penetrance, severe, early onset disease phenotype in heterozygous state. To our knowledge, no occurrence of c.189C>G in individuals affected with CLPB-related conditions and no experimental evidence demonstrating its impact on protein function have been reported. ClinVar contains an entry for this variant (Variation ID: 1060390). Based on the evidence outlined above, the variant was classified as uncertain significance.

Ambry Genetics
Classification: Likely benign for Inborn genetic diseases. Last evaluated: 2025-04-04. Review status: criteria provided, single submitter. Criteria: Ambry Variant Classification Scheme 2023. Collection method: clinical testing. Allele origin: germline.

GeneDx
Classification: Uncertain significance. Last evaluated: 2025-01-17. Review status: criteria provided, single submitter. Criteria: GeneDx Variant Classification Process June 2021. Collection method: clinical testing. Allele origin: germline. Affected: yes.
Comment: In silico analysis indicates that this missense variant does not alter protein structure/function; Has not been previously published as pathogenic or benign to our knowledge

Mayo Clinic Laboratories, Mayo Clinic
Classification: Uncertain significance. Last evaluated: 2023-11-07. Review status: criteria provided, single submitter. Criteria: ACMG Guidelines, 2015. Collection method: clinical testing. Allele origin: germline. Observed: 1 variant allele.
Comment: BP4

Blueprint Genetics
Classification: Uncertain significance. Last evaluated: 2022-07-28. Review status: criteria provided, single submitter. Criteria: ACMG Guidelines, 2015. Collection method: clinical testing. Allele origin: germline.

NM_001258392.3(CLPB):c.189C>G (p.Phe63Leu)

Genes: CLPB (ClpB family mitochondrial disaggregase; minus strand), LOC130006336 (ATAC-STARR-seq lymphoblastoid active region 5191; plus strand). Cytogenetic location: 11q13.4.
Variant type: single nucleotide variant.
Coding change: c.189C>G on transcript NM_001258392.3 (MANE Select); coding-DNA position 189, C replaced by G.
Protein change: p.Phe63Leu; replaces phenylalanine 63 with leucine.
Molecular consequence: missense variant. On other transcripts: 5 prime UTR variant (1).
Genome position (GRCh38, 1-based): chr11:72,434,286, G>C on the plus strand (C>G on the coding strand, the complement: CLPB is on the minus strand). VCF-style: chr11-72434286-G-C. GRCh37 (hg19) VCF-style: chr11-72145330-G-C.
Other names: p.Phe63Leu; c.189C>G, p.Phe63Leu (NM_001258393.3, NM_030813.6); c.-54C>G (NM_001258394.3); c.189C>G (NM_030813.3); short protein forms F63L.
Identifiers: ClinVar variation 1060390 (VCV001060390.17), dbSNP rs141970893, ClinGen allele CA6171655.